The following is an entry in ClinVar:

ClinVar aggregate classification (germline): Uncertain significance. Review status: criteria provided, multiple submitters, no conflicts (2 of 4 stars). 2 submissions from 2 submitters: Uncertain significance (2). Last evaluated 2025-02-01.

Allele frequency attached by ClinVar (database versions not stated): gnomAD exomes below 0.00001; gnomAD 0.00001; ExAC 0.00002.

Submissions (2):

Labcorp Genetics (formerly Invitae), Labcorp
Classification: Uncertain significance. Last evaluated: 2025-02-01. Review status: criteria provided, single submitter. Criteria: Invitae Variant Classification Sherloc (09022015). Collection method: clinical testing. Allele origin: germline.
Comment: This sequence change replaces methionine, which is neutral and non-polar, with valine, which is neutral and non-polar, at codon 199 of the CA4 protein (p.Met199Val). This variant is present in population databases (rs751958690, gnomAD 0.002%). This variant has not been reported in the literature in individuals affected with CA4-related conditions. ClinVar contains an entry for this variant (Variation ID: 2960402). Invitae Evidence Modeling of protein sequence and biophysical properties (such as structural, functional, and spatial information, amino acid conservation, physicochemical variation, residue mobility, and thermodynamic stability) indicates that this missense variant is not expected to disrupt CA4 protein function with a negative predictive value of 80%. In summary, the available evidence is currently insufficient to determine the role of this variant in disease. Therefore, it has been classified as a Variant of Uncertain Significance.

Blueprint Genetics
Classification: Uncertain significance. Last evaluated: 2022-10-12. Review status: criteria provided, single submitter. Criteria: ACMG Guidelines, 2015. Collection method: clinical testing. Allele origin: germline.

NM_000717.5(CA4):c.595A>G (p.Met199Val)

Gene: CA4 (carbonic anhydrase 4; plus strand). Cytogenetic location: 17q23.1.
Variant type: single nucleotide variant.
Coding change: c.595A>G on transcript NM_000717.5 (MANE Select); coding-DNA position 595, A replaced by G.
Protein change: p.Met199Val; replaces methionine 199 with valine.
Molecular consequence: missense variant. On other transcripts: non-coding transcript variant (1).
Genome position (GRCh38, 1-based): chr17:60,158,297, A>G. VCF-style: chr17-60158297-A-G. GRCh37 (hg19) VCF-style: chr17-58235658-A-G.
Other names: short protein forms M199V.
Identifiers: ClinVar variation 2960402 (VCV002960402.4), dbSNP rs751958690, ClinGen allele CA8685464.